The following is an entry in ClinVar:

ClinVar aggregate classification (germline): Conflicting classifications of pathogenicity. Review status: criteria provided, conflicting classifications (1 of 4 stars). 2 submissions from 2 submitters: Uncertain significance (1); Likely benign (1). Last evaluated 2024-03-26.

Submissions (2):

Ambry Genetics
Classification: Likely benign. Last evaluated: 2024-03-26. Review status: criteria provided, single submitter. Criteria: Ambry Variant Classification Scheme 2023. Collection method: clinical testing. Allele origin: germline.

Labcorp Genetics (formerly Invitae), Labcorp
Classification: Uncertain significance. Last evaluated: 2022-07-01. Review status: criteria provided, single submitter. Criteria: Invitae Variant Classification Sherloc (09022015). Collection method: clinical testing. Allele origin: germline.
Comment: In summary, the available evidence is currently insufficient to determine the role of this variant in disease. Therefore, it has been classified as a Variant of Uncertain Significance. Algorithms developed to predict the effect of missense changes on protein structure and function output the following: SIFT: "Tolerated"; PolyPhen-2: "Benign"; Align-GVGD: "Class C0". The alanine amino acid residue is found in multiple mammalian species, which suggests that this missense change does not adversely affect protein function. This variant has not been reported in the literature in individuals affected with GALNT12-related conditions. The frequency data for this variant in the population databases is considered unreliable, as metrics indicate insufficient coverage at this position in the gnomAD database. This sequence change replaces serine, which is neutral and polar, with alanine, which is neutral and non-polar, at codon 35 of the GALNT12 protein (p.Ser35Ala).

NM_024642.5(GALNT12):c.103T>G (p.Ser35Ala)

Genes: GALNT12 (polypeptide N-acetylgalactosaminyltransferase 12; plus strand), LOC130002222 (ATAC-STARR-seq lymphoblastoid silent region 20123; plus strand). Cytogenetic location: 9q22.33.
Variant type: single nucleotide variant.
Coding change: c.103T>G on transcript NM_024642.5 (MANE Select); coding-DNA position 103, T replaced by G.
Protein change: p.Ser35Ala; replaces serine 35 with alanine.
Molecular consequence: missense variant.
Genome position (GRCh38, 1-based): chr9:98,807,801, T>G. VCF-style: chr9-98807801-T-G. GRCh37 (hg19) VCF-style: chr9-101570083-T-G.
Other names: short protein forms S35A.
Identifiers: ClinVar variation 1773843 (VCV001773843.7), dbSNP rs2118255799, ClinGen allele CA374222274.